The following is an entry in ClinVar:

ClinVar aggregate classification (germline): Uncertain significance. Review status: criteria provided, multiple submitters, no conflicts (2 of 4 stars). 2 submissions from 2 submitters: Uncertain significance (2). Last evaluated 2025-02-19.

Conditions:
Inborn genetic diseases. Identifiers: MedGen C0950123, MeSH D030342.

Allele frequency attached by ClinVar (database versions not stated): gnomAD exomes 0.00001; ExAC 0.00002; gnomAD 0.00003 and 0.00004; TOPMed 0.00005.
gnomAD v4.1: 10 of 1,605,038 alleles (0.00062%); highest among the groups gnomAD compares: African/African-American, 0.012%; no homozygotes.

Submissions (2):

Labcorp Genetics (formerly Invitae), Labcorp
Classification: Uncertain significance. Last evaluated: 2025-02-19. Review status: criteria provided, single submitter. Criteria: Invitae Variant Classification Sherloc (09022015). Collection method: clinical testing. Allele origin: germline.
Comment: This sequence change replaces isoleucine, which is neutral and non-polar, with valine, which is neutral and non-polar, at codon 451 of the ATR protein (p.Ile451Val). This variant is present in population databases (rs769093283, gnomAD 0.02%). This variant has not been reported in the literature in individuals affected with ATR-related conditions. ClinVar contains an entry for this variant (Variation ID: 968645). An algorithm developed to predict the effect of missense changes on protein structure and function outputs the following: PolyPhen-2: "Benign". The valine amino acid residue is found in multiple mammalian species, which suggests that this missense change does not adversely affect protein function. In summary, the available evidence is currently insufficient to determine the role of this variant in disease. Therefore, it has been classified as a Variant of Uncertain Significance.

Ambry Genetics
Classification: Uncertain significance for Inborn genetic diseases. Last evaluated: 2024-12-05. Review status: criteria provided, single submitter. Criteria: Ambry Variant Classification Scheme 2023. Collection method: clinical testing. Allele origin: germline.

NM_001184.4(ATR):c.1351A>G (p.Ile451Val)

Gene: ATR (ATR checkpoint kinase; minus strand). Cytogenetic location: 3q23.
Variant type: single nucleotide variant.
Coding change: c.1351A>G on transcript NM_001184.4 (MANE Select); coding-DNA position 1351, A replaced by G.
Protein change: p.Ile451Val; replaces isoleucine 451 with valine.
Molecular consequence: missense variant. On other transcripts: intron variant (1).
Genome position (GRCh38, 1-based): chr3:142,560,453, T>C on the plus strand (A>G on the coding strand, the complement: ATR is on the minus strand). VCF-style: chr3-142560453-T-C. GRCh37 (hg19) VCF-style: chr3-142279295-T-C.
Other names: c.1349+790A>G (NM_001354579.2); short protein forms I451V.
Identifiers: ClinVar variation 968645 (VCV000968645.10), dbSNP rs769093283, ClinGen allele CA2650611.